The following is an entry in ClinVar:

ClinVar aggregate classification (germline): Likely benign. Review status: criteria provided, multiple submitters, no conflicts (2 of 4 stars). 2 submissions from 2 submitters: Likely benign (2). Last evaluated 2025-10-30.

Conditions:
RAI1-related disorder. Also called: RAI1-related condition.

Allele frequency attached by ClinVar (database versions not stated): ExAC 0.00001; gnomAD exomes 0.00002; gnomAD 0.00009; TOPMed 0.00011; 1000 Genomes Project 30x 0.00016; 1000 Genomes Project 0.00020.
gnomAD v4.1: 22 of 1,614,098 alleles (0.0014%); highest among the groups gnomAD compares: Admixed American, 0.033%; no homozygotes.

Submissions (2):

PreventionGenetics, part of Exact Sciences
Classification: Likely benign for RAI1-related condition. Last evaluated: 2025-10-30. Review status: criteria provided, single submitter. Criteria: ACMG Guidelines, 2015. Collection method: clinical testing. Allele origin: germline.
Comment: This variant is classified as likely benign based on ACMG/AMP sequence variant interpretation guidelines (Richards et al. 2015 PMID: 25741868, with internal and published modifications).

Labcorp Genetics (formerly Invitae), Labcorp
Classification: Likely benign. Last evaluated: 2025-04-04. Review status: criteria provided, single submitter. Criteria: Invitae Variant Classification Sherloc (09022015). Collection method: clinical testing. Allele origin: germline.

NM_030665.4(RAI1):c.5019G>A (p.Gly1673=)

Gene: RAI1 (retinoic acid induced 1; plus strand). Cytogenetic location: 17p11.2.
Variant type: single nucleotide variant.
Coding change: c.5019G>A on transcript NM_030665.4 (MANE Select); coding-DNA position 5019, G replaced by A.
Protein change: p.Gly1673=; no amino-acid change (glycine 1673 retained).
Molecular consequence: synonymous variant.
Genome position (GRCh38, 1-based): chr17:17,797,967, G>A. VCF-style: chr17-17797967-G-A. GRCh37 (hg19) VCF-style: chr17-17701281-G-A.
Other names: c.5019G>A (NM_030665.3).
Identifiers: ClinVar variation 2916361 (VCV002916361.4), dbSNP rs550469190, ClinGen allele CA8419084.
Genomic context (GRCh38, chr17:17,797,967, plus strand): 5'-TGGAGGCTCCATCCTGCAGCCGCGGCCCTCCTTGCCCCTCTCCTCCACGATGCACTTGGG[G>A]CCTGTGGTTTCCAAGGCCCTGAGTACCTCTTGCCTTGTTTGCTGCCTCTGCCAAAACCCG-3'
Protein context (NP_109590.3, residues 1663-1683): SLPLSSTMHL[Gly1673=]PVVSKALSTS